The following is an entry in ClinVar:

NM_004380.3(CREBBP):c.3841G>T (p.Val1281Phe)

Gene: CREBBP (CREB binding lysine acetyltransferase; minus strand). Cytogenetic location: 16p13.3.
Variant type: single nucleotide variant.
Coding change: c.3841G>T on transcript NM_004380.3 (MANE Select); coding-DNA position 3841, G replaced by T.
Protein change: p.Val1281Phe; replaces valine 1281 with phenylalanine.
Molecular consequence: missense variant.
Genome position (GRCh38, 1-based): chr16:3,745,350, C>A on the plus strand (G>T on the coding strand, the complement: CREBBP is on the minus strand). VCF-style: chr16-3745350-C-A. GRCh37 (hg19) VCF-style: chr16-3795351-C-A.
Other names: c.3841G>T (NM_004380.2); c.3727G>T, p.Val1243Phe (NM_001079846.1); short protein forms V1243F, V1281F.
Identifiers: ClinVar variation 2911608 (VCV002911608.4), dbSNP rs201874248, ClinGen allele CA394566883.

ClinVar aggregate classification (germline): Uncertain significance. Review status: criteria provided, multiple submitters, no conflicts (2 of 4 stars). 2 submissions from 2 submitters: Uncertain significance (2). Last evaluated 2026-02-25.

Conditions:
Rubinstein-Taybi syndrome (RSTS). Identifiers: Orphanet 783, MedGen C0035934, MONDO:0019188.
CREBBP-related disorder. Also called: CREBBP-related condition; CREBBP-related disorders.

gnomAD v4.1: 2 of 1,613,976 alleles (0.00012%); highest among the groups gnomAD compares: South Asian, 0.0011%; no homozygotes.

Submissions (2):

PreventionGenetics, part of Exact Sciences
Classification: Uncertain significance for CREBBP-related condition. Last evaluated: 2026-02-25. Review status: criteria provided, single submitter. Criteria: ACMG Guidelines, 2015. Collection method: clinical testing. Allele origin: germline.
Comment: The CREBBP c.3841G>T variant is predicted to result in the amino acid substitution p.Val1281Phe. To our knowledge, this variant has not been reported in the literature or in a large population database (gnomAD), indicating this variant is rare. At this time, the clinical significance of this variant is uncertain due to the absence of conclusive functional and genetic evidence.

Labcorp Genetics (formerly Invitae), Labcorp
Classification: Uncertain significance for Rubinstein-Taybi syndrome. Last evaluated: 2022-10-27. Review status: criteria provided, single submitter. Criteria: Invitae Variant Classification Sherloc (09022015). Collection method: clinical testing. Allele origin: germline.
Comment: This sequence change replaces valine, which is neutral and non-polar, with phenylalanine, which is neutral and non-polar, at codon 1281 of the CREBBP protein (p.Val1281Phe). This variant is not present in population databases (gnomAD no frequency). This variant has not been reported in the literature in individuals affected with CREBBP-related conditions. Advanced modeling of protein sequence and biophysical properties (such as structural, functional, and spatial information, amino acid conservation, physicochemical variation, residue mobility, and thermodynamic stability) has been performed at Invitae for this missense variant, however the output from this modeling did not meet the statistical confidence thresholds required to predict the impact of this variant on CREBBP protein function. In summary, the available evidence is currently insufficient to determine the role of this variant in disease. Therefore, it has been classified as a Variant of Uncertain Significance.